The following is an entry in ClinVar:

ClinVar aggregate classification (germline): Conflicting classifications of pathogenicity. Review status: criteria provided, conflicting classifications (1 of 4 stars). 2 submissions from 2 submitters: Likely pathogenic (1); Uncertain significance (1). Last evaluated 2025-05-19.

Conditions:
Breast-ovarian cancer, familial, susceptibility to, 3. Also called: RAD51C-Related Breast/Ovarian Cancer. Identifiers: Orphanet 145, MedGen C3150659, MONDO:0013253, OMIM 613399.
Hereditary cancer-predisposing syndrome. Also called: Neoplastic Syndromes, Hereditary; Tumor predisposition; Hereditary Cancer Syndrome; Hereditary neoplastic syndrome. Identifiers: Orphanet 140162, MedGen C0027672, MeSH D009386, MONDO:0015356.

gnomAD v4.1: 1 of 1,611,256 alleles (0.000062%); highest among the groups gnomAD compares: Non-Finnish European, 0.000085%; no homozygotes.

Submissions (2):

Ambry Genetics
Classification: Uncertain significance for Hereditary cancer-predisposing syndrome. Last evaluated: 2025-05-19. Review status: criteria provided, single submitter. Criteria: Ambry Variant Classification Scheme 2023. Collection method: clinical testing. Allele origin: germline.
Comment: The p.G130E variant (also known as c.389G>A), located in coding exon 2 of the RAD51C gene, results from a G to A substitution at nucleotide position 389. The glycine at codon 130 is replaced by glutamic acid, an amino acid with similar properties. This amino acid position is conserved. In addition, this alteration is predicted to be deleterious by in silico analysis. Based on the available evidence, the clinical significance of this variant remains unclear.

Myriad Genetics, Inc.
Classification: Likely pathogenic for Breast-ovarian cancer, familial, susceptibility to, 3. Last evaluated: 2024-11-25. Review status: criteria provided, single submitter. Criteria: Myriad Autosomal Dominant, Autosomal Recessive and X-Linked Classification Criteria (2023). Collection method: clinical testing. Allele origin: unknown.
Comment: This variant is considered likely pathogenic. Functional studies indicate this variant impacts protein function [PMID: 39299233]. This variant is expected to disrupt protein structure [Myriad internal data].

Literature cited by the submitters: PubMed 39299233 (cited by Myriad Genetics, Inc.).

NM_058216.3(RAD51C):c.389G>A (p.Gly130Glu)

Gene: RAD51C (RAD51 paralog C; plus strand). Cytogenetic location: 17q22.
Variant type: single nucleotide variant.
Coding change: c.389G>A on transcript NM_058216.3 (MANE Select); coding-DNA position 389, G replaced by A.
Protein change: p.Gly130Glu; replaces glycine 130 with glutamic acid.
Molecular consequence: missense variant. On other transcripts: non-coding transcript variant (2).
Genome position (GRCh38, 1-based): chr17:58,695,174, G>A. VCF-style: chr17-58695174-G-A. GRCh37 (hg19) VCF-style: chr17-56772535-G-A.
Other names: c.389G>A, p.Gly130Glu (NM_002876.4); short protein forms G130E.
Identifiers: ClinVar variation 3772800 (VCV003772800.2).
Genomic context (GRCh38, chr17:58,695,174, plus strand): 5'-TTCTTGGGGGTGGAGTGCCCTTAATGAAAACAACAGAAATTTGTGGTGCACCAGGTGTTG[G>A]AAAAACACAATTATGGTAAAATAAAGTGTTCTCCTTTTAAGGGTGGGTTTAATAACATAT-3'
Protein context (NP_478123.1, residues 120-140): TTEICGAPGV[Gly130Glu]KTQLCMQLAV